The following is an entry in ClinVar:

NM_020297.4(ABCC9):c.3004C>T (p.Leu1002Phe)

Gene: ABCC9 (ATP binding cassette subfamily C member 9; minus strand). Cytogenetic location: 12p12.1.
Variant type: single nucleotide variant.
Coding change: c.3004C>T on transcript NM_020297.4 (MANE Select); coding-DNA position 3004, C replaced by T.
Protein change: p.Leu1002Phe; replaces leucine 1002 with phenylalanine.
Molecular consequence: missense variant.
Genome position (GRCh38, 1-based): chr12:21,845,695, G>A on the plus strand (C>T on the coding strand, the complement: ABCC9 is on the minus strand). VCF-style: chr12-21845695-G-A. GRCh37 (hg19) VCF-style: chr12-21998629-G-A.
Other names: c.3004C>T, p.Leu1002Phe (NM_001377273.1, NM_005691.4); c.2137C>T, p.Leu713Phe (NM_001377274.1); short protein forms L1002F, L713F.
Identifiers: ClinVar variation 1798727 (VCV001798727.10), dbSNP rs888969855, ClinGen allele CA233595110.
Genomic context (GRCh38, chr12:21,845,695, plus strand): 5'-ACTCCGATGTCCATGTGGCCAGCCAATAGTCTATAGCTACAATGACCGAATGCTTCAAAA[G>A]CTTAGAGAAAATCATCAGGATGAGCAGGAAGAATCCTCCAGATGTCAGGTAGCGCCAGCA-3'
Protein context (NP_064693.2, residues 992-1012): FLLILMIFSK[Leu1002Phe]LKHSVIVAID

ClinVar aggregate classification (germline): Uncertain significance. Review status: criteria provided, multiple submitters, no conflicts (2 of 4 stars). 3 submissions from 3 submitters: Uncertain significance (3). Last evaluated 2025-02-03.

Conditions:
Dilated cardiomyopathy 1O (CMD1O). Also called: CARDIOMYOPATHY, DILATED, WITH VENTRICULAR TACHYCARDIA. Identifiers: Orphanet 154, MedGen C1837839, MONDO:0012062, OMIM 608569.
Cardiovascular phenotype. Identifiers: MedGen CN230736.

Allele frequency attached by ClinVar (database versions not stated): gnomAD exomes below 0.00001.
gnomAD v4.1: 6 of 1,613,846 alleles (0.00037%); highest among the groups gnomAD compares: Non-Finnish European, 0.00051%; no homozygotes.

Submissions (3):

Ambry Genetics
Classification: Uncertain significance for Cardiovascular phenotype. Last evaluated: 2025-02-03. Review status: criteria provided, single submitter. Criteria: Ambry Variant Classification Scheme 2023. Collection method: clinical testing. Allele origin: germline.
Comment: The p.L1002F variant (also known as c.3004C>T), located in coding exon 24 of the ABCC9 gene, results from a C to T substitution at nucleotide position 3004. The leucine at codon 1002 is replaced by phenylalanine, an amino acid with highly similar properties. This alteration has been reported in a pulmonary arterial hypertension with congenital heart disease cohort; however, clinical details were limited (Zhu N et al. Genome Med, 2018 07;10:56). This amino acid position is highly conserved in available vertebrate species. In addition, this alteration is predicted to be deleterious by in silico analysis. Since supporting evidence is limited at this time, the clinical significance of this alteration remains unclear.

Labcorp Genetics (formerly Invitae), Labcorp
Classification: Uncertain significance for Dilated cardiomyopathy 1O. Last evaluated: 2022-07-31. Review status: criteria provided, single submitter. Criteria: Invitae Variant Classification Sherloc (09022015). Collection method: clinical testing. Allele origin: germline.
Comment: This sequence change replaces leucine, which is neutral and non-polar, with phenylalanine, which is neutral and non-polar, at codon 1002 of the ABCC9 protein (p.Leu1002Phe). This variant is not present in population databases (gnomAD no frequency). This missense change has been observed in individual(s) with clinical features of ABCC9-related conditions (PMID: 30029678). In summary, the available evidence is currently insufficient to determine the role of this variant in disease. Therefore, it has been classified as a Variant of Uncertain Significance. Algorithms developed to predict the effect of missense changes on protein structure and function are either unavailable or do not agree on the potential impact of this missense change (SIFT: "Deleterious"; PolyPhen-2: "Possibly Damaging"; Align-GVGD: "Class C0").

Blueprint Genetics
Classification: Uncertain significance. Last evaluated: 2020-10-16. Review status: criteria provided, single submitter. Criteria: ACMG Guidelines, 2015. Collection method: clinical testing. Allele origin: germline.

Literature cited by the submitters: PubMed 30029678 (cited by Ambry Genetics and Labcorp Genetics (formerly Invitae), Labcorp).